The following is an entry in ClinVar:

NM_001382548.1(TCERG1):c.639C>A (p.Ala213=)

Gene: TCERG1 (transcription elongation regulator 1; plus strand). Cytogenetic location: 5q32.
Variant type: single nucleotide variant.
Coding change: c.639C>A on transcript NM_001382548.1 (MANE Select); coding-DNA position 639, C replaced by A.
Protein change: p.Ala213=; no amino-acid change (alanine 213 retained).
Molecular consequence: synonymous variant. On other transcripts: non-coding transcript variant (52), intron variant (3).
Genome position (GRCh38, 1-based): chr5:146,459,084, C>A. VCF-style: chr5-146459084-C-A. GRCh37 (hg19) VCF-style: chr5-145838647-C-A.
Other names: c.594+45C>A (NM_001400098.1); c.577-16C>A (NM_001400083.1); c.558+81C>A (NM_001400096.1); c.639C>A, p.Ala213= (NM_001040006.2, NM_001400077.1, NM_001400084.1 and 7 more transcripts); c.582C>A, p.Ala194= (NM_001400082.1); c.579C>A, p.Ala193= (NM_001400092.1).
Identifiers: ClinVar variation 2655883 (VCV002655883.24), dbSNP rs187468589, ClinGen allele CA447097824.

ClinVar aggregate classification (germline): Likely benign (1 of 4 stars; one submission).

Allele frequency attached by ClinVar (database versions not stated): gnomAD exomes below 0.00001.
gnomAD v4.1: 2 of 1,448,912 alleles (0.00014%); highest among the groups gnomAD compares: Non-Finnish European, 0.00019%; no homozygotes.

Submission:

CeGaT Center for Human Genetics Tuebingen
Classification: Likely benign. Last evaluated: 2023-02-01. Review status: criteria provided, single submitter. Criteria: CeGaT Center For Human Genetics Tuebingen Variant Classification Criteria Version 2. Collection method: clinical testing. Allele origin: germline. Affected: yes. Observed: 1 variant allele.
Comment: TCERG1: PM2:Supporting, BP4, BP7